The following is an entry in ClinVar:

ClinVar aggregate classification (germline): Uncertain significance (1 of 4 stars; one submission).

Conditions:
Hereditary cancer-predisposing syndrome. Also called: Tumor predisposition; Hereditary neoplastic syndrome; Hereditary Cancer Syndrome; Neoplastic Syndromes, Hereditary. Identifiers: Orphanet 140162, MedGen C0027672, MeSH D009386, MONDO:0015356.

Submission:

Ambry Genetics
Classification: Uncertain significance for Hereditary cancer-predisposing syndrome. Last evaluated: 2026-02-10. Review status: criteria provided, single submitter. Criteria: Ambry Variant Classification Scheme 2023. Collection method: clinical testing. Allele origin: germline.
Comment: The p.Q668L variant (also known as c.2003A>T), located in coding exon 13 of the RAD50 gene, results from an A to T substitution at nucleotide position 2003. The glutamine at codon 668 is replaced by leucine, an amino acid with dissimilar properties. This amino acid position is highly conserved in available vertebrate species. In addition, the in silico prediction for this alteration is inconclusive. Based on the available evidence, the clinical significance of this variant remains unclear.

NM_005732.4(RAD50):c.2003A>T (p.Gln668Leu)

Gene: RAD50 (RAD50 double strand break repair protein; plus strand). Cytogenetic location: 5q31.1.
Variant type: single nucleotide variant.
Coding change: c.2003A>T on transcript NM_005732.4 (MANE Select); coding-DNA position 2003, A replaced by T.
Protein change: p.Gln668Leu; replaces glutamine 668 with leucine.
Molecular consequence: missense variant.
Genome position (GRCh38, 1-based): chr5:132,595,606, A>T. VCF-style: chr5-132595606-A-T. GRCh37 (hg19) VCF-style: chr5-131931298-A-T.
Other names: short protein forms Q668L.
Identifiers: ClinVar variation 233893 (VCV000233893.6), dbSNP rs876660716, ClinGen allele CA10578548.